The following is an entry in ClinVar:

NM_001851.6(COL9A1):c.1071T>C (p.Arg357=)

Gene: COL9A1 (collagen type IX alpha 1 chain; minus strand). Cytogenetic location: 6q13.
Variant type: single nucleotide variant.
Coding change: c.1071T>C on transcript NM_001851.6 (MANE Select); coding-DNA position 1071, T replaced by C.
Protein change: p.Arg357=; no amino-acid change (arginine 357 retained).
Molecular consequence: synonymous variant. On other transcripts: non-coding transcript variant (1).
Genome position (GRCh38, 1-based): chr6:70,272,083, A>G on the plus strand (T>C on the coding strand, the complement: COL9A1 is on the minus strand). VCF-style: chr6-70272083-A-G. GRCh37 (hg19) VCF-style: chr6-70981786-A-G.
Other names: p.Arg357=; c.342T>C, p.Arg114= (NM_001377289.1, NM_001377290.1, NM_078485.4); c.1071T>C (NM_001851.5).
Identifiers: ClinVar variation 258338 (VCV000258338.16), dbSNP rs607156, ClinGen allele CA3882430.

ClinVar aggregate classification (germline): Benign. Review status: criteria provided, multiple submitters, no conflicts (2 of 4 stars). 8 submissions from 8 submitters: Benign (6). 2 of the submissions do not count toward it. Last evaluated 2026-05-09.

Allele frequency attached by ClinVar (database versions not stated): gnomAD exomes 0.02435 and 0.04516; gnomAD 0.07381 and 0.07267; 1000 Genomes Project 30x 0.10400; ESP Exome Variant Server 0.07043; ExAC 0.04895; TOPMed 0.08287; 1000 Genomes Project 0.09864.
gnomAD v4.1: 47,240 of 1,611,098 alleles (2.9%); highest among the groups gnomAD compares: African/African-American, 19%; 2,406 homozygotes.

Submissions (8):

Women's Health and Genetics/Laboratory Corporation of America, LabCorp
Classification: Benign. Last evaluated: 2026-05-09. Review status: criteria provided, single submitter. Criteria: LabCorp Variant Classification Summary - May 2015. Collection method: clinical testing. Allele origin: germline.

Labcorp Genetics (formerly Invitae), Labcorp
Classification: Benign. Last evaluated: 2026-02-04. Review status: criteria provided, single submitter. Criteria: Invitae Variant Classification Sherloc (09022015). Collection method: clinical testing. Allele origin: germline.

Mayo Clinic Laboratories, Mayo Clinic
Classification: Benign. Last evaluated: 2020-10-02. Review status: criteria provided, single submitter. Criteria: ACMG Guidelines, 2015. Collection method: clinical testing. Allele origin: germline. Observed: 13 variant alleles.

Athena Diagnostics
Classification: Benign. Last evaluated: 2018-05-24. Review status: criteria provided, single submitter. Criteria: Athena Diagnostics Criteria. Collection method: clinical testing. Allele origin: germline.

GeneDx
Classification: Benign. Last evaluated: 2016-10-17. Review status: criteria provided, single submitter. Criteria: GeneDx Variant Classification (06012015). Collection method: clinical testing. Allele origin: germline. Affected: yes.
Comment: This variant is considered likely benign or benign based on one or more of the following criteria: it is a conservative change, it occurs at a poorly conserved position in the protein, it is predicted to be benign by multiple in silico algorithms, and/or has population frequency not consistent with disease.

PreventionGenetics, part of Exact Sciences
Classification: Benign. Review status: criteria provided, single submitter. Criteria: ACMG Guidelines, 2015. Collection method: clinical testing. Allele origin: germline.

Genome Diagnostics Laboratory, Amsterdam University Medical Center
Classification: Benign. Review status: no assertion criteria provided. Collection method: clinical testing. Allele origin: germline. Affected: yes. Study: VKGL Data-share Consensus. Not counted in ClinVar's aggregate classification.

Joint Genome Diagnostic Labs from Nijmegen and Maastricht, Radboudumc and MUMC+
Classification: Benign. Review status: no assertion criteria provided. Collection method: clinical testing. Allele origin: germline. Affected: yes. Study: VKGL Data-share Consensus. Not counted in ClinVar's aggregate classification.